The following is an entry in ClinVar:

ClinVar aggregate classification (germline): Likely benign (1 of 4 stars; one submission).

Conditions:
Parietal foramina 2 (PFM2). Identifiers: Orphanet 60015, MedGen C1865044, MONDO:0012309, OMIM 609597.

Allele frequency attached by ClinVar (database versions not stated): gnomAD 0.00009 and 0.00015; TOPMed 0.00024; gnomAD exomes 0.00032; 1000 Genomes Project 30x 0.00062; 1000 Genomes Project 0.00080.
gnomAD v4.1: 40 of 208,674 alleles (0.019%); highest among the groups gnomAD compares: East Asian, 0.37%; no homozygotes.

Submission:

Illumina Laboratory Services, Illumina
Classification: Likely benign for Parietal foramina 2. Last evaluated: 2018-01-13. Review status: criteria provided, single submitter. Criteria: ICSL Variant Classification Criteria 13 December 2019. Collection method: clinical testing. Allele origin: germline.
Comment: This variant was observed in the ICSL laboratory as part of a predisposition screen in an ostensibly healthy population. It had not been previously curated by ICSL or reported in the Human Gene Mutation Database (HGMD: prior to June 1st, 2018), and was therefore a candidate for classification through an automated scoring system. Utilizing variant allele frequency, disease prevalence and penetrance estimates, and inheritance mode, an automated score was calculated to assess if this variant is too frequent to cause the disease. Based on the score and internal cut-off values, a variant classified as likely benign is not then subjected to further curation. The score for this variant resulted in a classification of likely benign for this disease.

NM_021926.4(ALX4):c.*407G>A

Gene: ALX4 (ALX homeobox 4; minus strand). Cytogenetic location: 11p11.2.
Variant type: single nucleotide variant.
Coding change: c.*407G>A on transcript NM_021926.4 (MANE Select); 407 bases downstream of the stop codon, G replaced by A.
Molecular consequence: 3 prime UTR variant.
Genome position (GRCh38, 1-based): chr11:44,264,447, C>T on the plus strand (G>A on the coding strand, the complement: ALX4 is on the minus strand). VCF-style: chr11-44264447-C-T. GRCh37 (hg19) VCF-style: chr11-44285997-C-T.
Identifiers: ClinVar variation 879036 (VCV000879036.4), dbSNP rs539799951, ClinGen allele CA221486766.